The following is an entry in ClinVar:

ClinVar aggregate classification (germline): Pathogenic (1 of 4 stars; one submission).

Submission:

Labcorp Genetics (formerly Invitae), Labcorp
Classification: Pathogenic. Last evaluated: 2020-08-25. Review status: criteria provided, single submitter. Criteria: Invitae Variant Classification Sherloc (09022015). Collection method: clinical testing. Allele origin: germline.
Comment: This variant is an out-of-frame deletion of the genomic region encompassing exon 12 of the EYS gene. This is expected to create a premature translational stop signal and result in an absent or disrupted protein product. A similar copy number variant has been observed in individual(s) with autosomal recessive retinitis pigmentosa (PMID: 18836446). Loss-of-function variants in EYS are known to be pathogenic (PMID: 18836446, 20333770). For these reasons, this variant has been classified as Pathogenic.

Literature cited by the submitters: PubMed 18836446; PubMed 20333770.

NC_000006.11:g.(?_66005746)_(66042320_?)del

Gene: EYS (eyes shut homolog; minus strand). Cytogenetic location: 6q12.
Variant type: Deletion.
Identifiers: ClinVar variation 1072820 (VCV001072820.1).